The following is an entry in ClinVar:

NC_000013.10:g.(?_32893194)_(32915353_?)del

Gene: BRCA2 (BRCA2 DNA repair associated; plus strand). Cytogenetic location: 13q13.1.
Variant type: Deletion.
Identifiers: ClinVar variation 1459170 (VCV001459170.8).

ClinVar aggregate classification (germline): Pathogenic (1 of 4 stars; one submission).

Conditions:
Hereditary breast ovarian cancer syndrome. Also called: Hereditary breast and ovarian cancer; Breast and ovarian cancer; BRCA1- and BRCA2-Associated Hereditary Breast and Ovarian Cancer; Hereditary breast and/or ovarian cancer syndrome; Hereditary breast and ovarian cancer syndrome; Hereditary breast and ovarian cancer syndrome (HBOC). Identifiers: Orphanet 145, MedGen C0677776, MeSH D061325, MONDO:0003582. Disease mechanism: loss of function.

Submission:

Labcorp Genetics (formerly Invitae), Labcorp
Classification: Pathogenic for Hereditary breast ovarian cancer syndrome. Last evaluated: 2021-02-15. Review status: criteria provided, single submitter. Criteria: Invitae Variant Classification Sherloc (09022015). Collection method: clinical testing. Allele origin: germline.
Comment: For these reasons, this variant has been classified as Pathogenic. The region of the BRCA2 gene that includes exon(s) 3 has been determined to be clinically significant (PMID: 21939546, 9537232, 16793542, 9126734). Therefore, deletions that encompass that region are likely to disrupt protein function and cause disease. This variant has not been reported in the literature in individuals with BRCA2-related conditions. This variant is a gross deletion of the genomic region encompassing exon(s) 3-11 of the BRCA2 gene. This variant would be expected to be in-frame, preserving the integrity of the reading frame.

Literature cited by the submitters: PubMed 21939546; PubMed 9537232; PubMed 16793542; PubMed 9126734.